The following is an entry in ClinVar:

NM_005909.5(MAP1B):c.3715A>G (p.Ile1239Val)

Gene: MAP1B (microtubule associated protein 1B; plus strand). Cytogenetic location: 5q13.2.
Variant type: single nucleotide variant.
Coding change: c.3715A>G on transcript NM_005909.5 (MANE Select); coding-DNA position 3715, A replaced by G.
Protein change: p.Ile1239Val; replaces isoleucine 1239 with valine.
Molecular consequence: missense variant.
Genome position (GRCh38, 1-based): chr5:72,197,070, A>G. VCF-style: chr5-72197070-A-G. GRCh37 (hg19) VCF-style: chr5-71492897-A-G.
Other names: c.3337A>G, p.Ile1113Val (NM_001324255.2); short protein forms I1113V, I1239V.
Identifiers: ClinVar variation 5002030 (VCV005002030.1).

ClinVar aggregate classification (germline): Uncertain significance (1 of 4 stars; one submission).

Conditions:
MAP1B-related disorder. Also called: MAP1B-related condition.

Submission:

PreventionGenetics, part of Exact Sciences
Classification: Uncertain significance for MAP1B-related condition. Last evaluated: 2025-03-17. Review status: criteria provided, single submitter. Criteria: ACMG Guidelines, 2015. Collection method: clinical testing. Allele origin: germline.
Comment: The MAP1B c.3715A>G variant is predicted to result in the amino acid substitution p.Ile1239Val. To our knowledge, this variant has not been reported in the literature or in a large population database (gnomAD), indicating this variant is rare. At this time, the clinical significance of this variant is uncertain due to the absence of conclusive functional and genetic evidence.